The following is an entry in ClinVar:

NM_001122764.3(PPOX):c.455G>A (p.Arg152His)

Gene: PPOX (protoporphyrinogen oxidase; plus strand). Cytogenetic location: 1q23.3.
Variant type: single nucleotide variant.
Coding change: c.455G>A on transcript NM_001122764.3 (MANE Select); coding-DNA position 455, G replaced by A.
Protein change: p.Arg152His; replaces arginine 152 with histidine.
Molecular consequence: missense variant. On other transcripts: 5 prime UTR variant (2), intron variant (2).
Genome position (GRCh38, 1-based): chr1:161,168,111, G>A. VCF-style: chr1-161168111-G-A. GRCh37 (hg19) VCF-style: chr1-161137901-G-A.
Other names: c.455G>A, p.Arg152His (NM_001365399.1, NM_000309.5, NM_001365398.1); c.28G>A, p.Ala10Thr (NM_001365400.1, NM_001350129.2); c.-32G>A (NM_001365401.1, NM_001350130.2); c.354-302G>A (NM_001350128.2); c.-34-302G>A (NM_001350131.2); short protein forms A10T, R152H.
Identifiers: ClinVar variation 1909466 (VCV001909466.6), dbSNP rs758609195, ClinGen allele CA31633488.

ClinVar aggregate classification (germline): Uncertain significance. Review status: criteria provided, multiple submitters, no conflicts (2 of 4 stars). 2 submissions from 2 submitters: Uncertain significance (2). Last evaluated 2022-02-17.

Conditions:
Inborn genetic diseases. Identifiers: MedGen C0950123, MeSH D030342.

Allele frequency attached by ClinVar (database versions not stated): TOPMed below 0.00001; gnomAD exomes 0.00001.
gnomAD v4.1: 22 of 1,614,098 alleles (0.0014%); highest among the groups gnomAD compares: Non-Finnish European, 0.0018%; no homozygotes.

Submissions (2):

Labcorp Genetics (formerly Invitae), Labcorp
Classification: Uncertain significance. Last evaluated: 2022-02-17. Review status: criteria provided, single submitter. Criteria: Invitae Variant Classification Sherloc (09022015). Collection method: clinical testing. Allele origin: germline.
Comment: In summary, the available evidence is currently insufficient to determine the role of this variant in disease. Therefore, it has been classified as a Variant of Uncertain Significance. This variant disrupts the p.Arg152 amino acid residue in PPOX. Other variant(s) that disrupt this residue have been determined to be pathogenic (PMID: 9763307, 10486317, 11474578, 11929051, 12859407, 21048046). This suggests that this residue is clinically significant, and that variants that disrupt this residue are likely to be disease-causing. Algorithms developed to predict the effect of missense changes on protein structure and function are either unavailable or do not agree on the potential impact of this missense change (SIFT: "Deleterious"; PolyPhen-2: "Probably Damaging"; Align-GVGD: "Class C0"). This missense change has been observed in individual(s) with clinical features of porphyria variegata (Invitae). This variant is not present in population databases (gnomAD no frequency). This sequence change replaces arginine, which is basic and polar, with histidine, which is basic and polar, at codon 152 of the PPOX protein (p.Arg152His).

Ambry Genetics
Classification: Uncertain significance for Inborn genetic diseases. Last evaluated: 2021-08-02. Review status: criteria provided, single submitter. Criteria: Ambry Variant Classification Scheme 2023. Collection method: clinical testing. Allele origin: germline.

Literature cited by the submitters: PubMed 9763307 (cited by Labcorp Genetics (formerly Invitae), Labcorp); PubMed 10486317 (cited by Labcorp Genetics (formerly Invitae), Labcorp); PubMed 11474578 (cited by Labcorp Genetics (formerly Invitae), Labcorp); PubMed 11929051 (cited by Labcorp Genetics (formerly Invitae), Labcorp); PubMed 12859407 (cited by Labcorp Genetics (formerly Invitae), Labcorp); PubMed 21048046 (cited by Labcorp Genetics (formerly Invitae), Labcorp).